The following is an entry in ClinVar:

NM_005204.4(MAP3K8):c.586G>A (p.Ala196Thr)

Gene: MAP3K8 (mitogen-activated protein kinase kinase kinase 8; plus strand). Cytogenetic location: 10p11.23.
Variant type: single nucleotide variant.
Coding change: c.586G>A on transcript NM_005204.4 (MANE Select); coding-DNA position 586, G replaced by A.
Protein change: p.Ala196Thr; replaces alanine 196 with threonine.
Molecular consequence: missense variant.
Genome position (GRCh38, 1-based): chr10:30,450,339, G>A. VCF-style: chr10-30450339-G-A. GRCh37 (hg19) VCF-style: chr10-30739268-G-A.
Other names: c.586G>A, p.Ala196Thr (NM_001244134.1, NM_001320961.2); short protein forms A196T.
Identifiers: ClinVar variation 4768589 (VCV004768589.1).

ClinVar aggregate classification (germline): Uncertain significance (1 of 4 stars; one submission).

gnomAD v4.1: 2 of 1,614,016 alleles (0.00012%); highest among the groups gnomAD compares: African/African-American, 0.0013%; no homozygotes.

Submission:

Labcorp Genetics (formerly Invitae), Labcorp
Classification: Uncertain significance. Last evaluated: 2025-10-21. Review status: criteria provided, single submitter. Criteria: Invitae Variant Classification Sherloc (09022015). Collection method: clinical testing. Allele origin: germline.
Comment: This sequence change replaces alanine, which is neutral and non-polar, with threonine, which is neutral and polar, at codon 196 of the MAP3K8 protein (p.Ala196Thr). This variant is present in population databases (rs753577719, gnomAD 0.007%). This variant has not been reported in the literature in individuals affected with MAP3K8-related conditions. An algorithm developed to predict the effect of missense changes on protein structure and function (PolyPhen-2) suggests that this variant is likely to be disruptive. In summary, the available evidence is currently insufficient to determine the role of this variant in disease. Therefore, it has been classified as a Variant of Uncertain Significance.